The following is an entry in ClinVar:

NM_001190.4(BCAT2):c.696-2A>G

Gene: BCAT2 (branched chain amino acid transaminase 2; minus strand). Cytogenetic location: 19q13.33.
Variant type: single nucleotide variant.
Coding change: c.696-2A>G on transcript NM_001190.4 (MANE Select); the canonical splice acceptor site of the intron before coding-DNA position 696, A replaced by G.
Molecular consequence: splice acceptor variant.
Genome position (GRCh38, 1-based): chr19:48,797,335, T>C on the plus strand (A>G on the coding strand, the complement: BCAT2 is on the minus strand). VCF-style: chr19-48797335-T-C. GRCh37 (hg19) VCF-style: chr19-49300592-T-C.
Other names: c.420-2A>G (NM_001164773.2); c.576-2A>G (NM_001284325.2).
Identifiers: ClinVar variation 2730562 (VCV002730562.3), dbSNP rs2514085671, ClinGen allele CA406723141.

ClinVar aggregate classification (germline): Likely pathogenic (1 of 4 stars; one submission).

Allele frequency attached by ClinVar (database versions not stated): gnomAD exomes below 0.00001.
gnomAD v4.1: 1 of 1,614,014 alleles (0.000062%); highest among the groups gnomAD compares: Non-Finnish European, 0.000085%; no homozygotes.

Submission:

Labcorp Genetics (formerly Invitae), Labcorp
Classification: Likely pathogenic. Last evaluated: 2023-09-01. Review status: criteria provided, single submitter. Criteria: Invitae Variant Classification Sherloc (09022015). Collection method: clinical testing. Allele origin: germline.
Comment: This sequence change affects an acceptor splice site in intron 6 of the BCAT2 gene. It is expected to disrupt RNA splicing. Variants that disrupt the donor or acceptor splice site typically lead to a loss of protein function (PMID: 16199547), and loss-of-function variants in BCAT2 are known to be pathogenic (PMID: 30626930, 31177572). In summary, the currently available evidence indicates that the variant is pathogenic, but additional data are needed to prove that conclusively. Therefore, this variant has been classified as Likely Pathogenic. Algorithms developed to predict the effect of sequence changes on RNA splicing suggest that this variant may disrupt the consensus splice site. This variant has not been reported in the literature in individuals affected with BCAT2-related conditions. This variant is not present in population databases (gnomAD no frequency).

Literature cited by the submitters: PubMed 16199547; PubMed 30626930; PubMed 31177572.